The following is an entry in ClinVar:

ClinVar aggregate classification (germline): Uncertain significance (1 of 4 stars; one submission).

gnomAD v4.1: 3 of 1,210,127 alleles (0.00025%); highest among the groups gnomAD compares: Non-Finnish European, 0.00034%; no homozygotes.

Submission:

GeneDx
Classification: Uncertain significance. Last evaluated: 2026-07-05. Review status: criteria provided, single submitter. Criteria: GeneDx Variant Classification Process June 2021. Collection method: clinical testing. Allele origin: germline.
Comment: Not observed at significant frequency in large population cohorts (gnomAD); In silico analysis suggests that this missense variant does not alter protein structure/function; Has not been previously published as pathogenic or benign to our knowledge

NM_020922.5(WNK3):c.3253A>G (p.Thr1085Ala)

Gene: WNK3 (WNK lysine deficient protein kinase 3; minus strand). Cytogenetic location: Xp11.22.
Variant type: single nucleotide variant.
Coding change: c.3253A>G on transcript NM_020922.5 (MANE Select); coding-DNA position 3253, A replaced by G.
Protein change: p.Thr1085Ala; replaces threonine 1085 with alanine.
Molecular consequence: missense variant.
Genome position (GRCh38, 1-based): chrX:54,249,095, T>C on the plus strand (A>G on the coding strand, the complement: WNK3 is on the minus strand). VCF-style: chrX-54249095-T-C. GRCh37 (hg19) VCF-style: chrX-54275528-T-C.
Other names: c.3253A>G, p.Thr1085Ala (NM_001002838.4, NM_001395166.1); short protein forms T1085A.
Identifiers: ClinVar variation 3376099 (VCV003376099.2).